The following is an entry in ClinVar:

ClinVar aggregate classification (germline): Likely benign. Review status: criteria provided, single submitter (1 of 4 stars). 2 submissions from 2 submitters: Likely benign (1). 1 of the submissions does not count toward it. Last evaluated 2024-04-17.

Conditions:
RELN-related disorder. Also called: RELN-related condition.
Norman-Roberts syndrome (LIS2). Also called: Lissencephaly 2 (Norman-Roberts type). Identifiers: Orphanet 89844, MedGen C0796089, MONDO:0009760, OMIM 257320.
Familial temporal lobe epilepsy 7. Identifiers: Orphanet 101046, MedGen C4225327, MONDO:0014639, OMIM 616436.

Allele frequency attached by ClinVar (database versions not stated): ExAC 0.00001; gnomAD 0.00001; TOPMed 0.00001.
gnomAD v4.1: 2 of 1,613,846 alleles (0.00012%); highest among the groups gnomAD compares: African/African-American, 0.0027%; no homozygotes.

Submissions (2):

Labcorp Genetics (formerly Invitae), Labcorp
Classification: Likely benign for Familial temporal lobe epilepsy 7; Norman-Roberts syndrome. Last evaluated: 2024-04-17. Review status: criteria provided, single submitter. Criteria: Invitae Variant Classification Sherloc (09022015). Collection method: clinical testing. Allele origin: germline.

PreventionGenetics, part of Exact Sciences
Classification: Likely benign for RELN-related condition. Last evaluated: 2021-04-28. Review status: no assertion criteria provided. Collection method: clinical testing. Allele origin: germline. Not counted in ClinVar's aggregate classification.
Comment: This variant is classified as likely benign based on ACMG/AMP sequence variant interpretation guidelines (Richards et al. 2015 PMID: 25741868, with internal and published modifications).

NM_005045.4(RELN):c.8843+10T>A

Genes: RELN (reelin; minus strand), SLC26A5-AS1 (SLC26A5 antisense RNA 1; plus strand). Cytogenetic location: 7q22.1.
Variant type: single nucleotide variant.
Coding change: c.8843+10T>A on transcript NM_005045.4 (MANE Select); 10 bases into the intron after coding-DNA position 8843, T replaced by A.
Molecular consequence: intron variant.
Genome position (GRCh38, 1-based): chr7:103,498,067, A>T on the plus strand (T>A on the coding strand, the complement: RELN is on the minus strand). VCF-style: chr7-103498067-A-T. GRCh37 (hg19) VCF-style: chr7-103138514-A-T.
Other names: c.8843+10T>A (NM_005045.3, NM_173054.3).
Identifiers: ClinVar variation 1160330 (VCV001160330.11), dbSNP rs747781226, ClinGen allele CA4420375.